The following is an entry in ClinVar:

NM_000095.3(COMP):c.403C>T (p.Pro135Ser)

Gene: COMP (cartilage oligomeric matrix protein; minus strand). Cytogenetic location: 19p13.11.
Variant type: single nucleotide variant.
Coding change: c.403C>T on transcript NM_000095.3 (MANE Select); coding-DNA position 403, C replaced by T.
Protein change: p.Pro135Ser; replaces proline 135 with serine.
Molecular consequence: missense variant.
Genome position (GRCh38, 1-based): chr19:18,789,285, G>A on the plus strand (C>T on the coding strand, the complement: COMP is on the minus strand). VCF-style: chr19-18789285-G-A. GRCh37 (hg19) VCF-style: chr19-18900094-G-A.
Other names: short protein forms P135S.
Identifiers: ClinVar variation 2962662 (VCV002962662.3), dbSNP rs2512853331, ClinGen allele CA404896712.

ClinVar aggregate classification (germline): Uncertain significance (1 of 4 stars; one submission).

Allele frequency attached by ClinVar (database versions not stated): gnomAD exomes below 0.00001.
gnomAD v4.1: 2 of 1,496,600 alleles (0.00013%); highest among the groups gnomAD compares: Non-Finnish European, 0.00018%; no homozygotes.

Submission:

Labcorp Genetics (formerly Invitae), Labcorp
Classification: Uncertain significance. Last evaluated: 2024-02-26. Review status: criteria provided, single submitter. Criteria: Invitae Variant Classification Sherloc (09022015). Collection method: clinical testing. Allele origin: germline.
Comment: This sequence change replaces proline, which is neutral and non-polar, with serine, which is neutral and polar, at codon 135 of the COMP protein (p.Pro135Ser). This variant is not present in population databases (gnomAD no frequency). This variant has not been reported in the literature in individuals affected with COMP-related conditions. Advanced modeling of protein sequence and biophysical properties (such as structural, functional, and spatial information, amino acid conservation, physicochemical variation, residue mobility, and thermodynamic stability) performed at Invitae indicates that this missense variant is expected to disrupt COMP protein function with a positive predictive value of 80%. In summary, the available evidence is currently insufficient to determine the role of this variant in disease. Therefore, it has been classified as a Variant of Uncertain Significance.